The following is an entry in ClinVar:

NM_004655.4(AXIN2):c.426C>G (p.Asn142Lys)

Gene: AXIN2 (axin 2; minus strand). Cytogenetic location: 17q24.1.
Variant type: single nucleotide variant.
Coding change: c.426C>G on transcript NM_004655.4 (MANE Select); coding-DNA position 426, C replaced by G.
Protein change: p.Asn142Lys; replaces asparagine 142 with lysine.
Molecular consequence: missense variant.
Genome position (GRCh38, 1-based): chr17:65,558,195, G>C on the plus strand (C>G on the coding strand, the complement: AXIN2 is on the minus strand). VCF-style: chr17-65558195-G-C. GRCh37 (hg19) VCF-style: chr17-63554313-G-C.
Other names: c.426C>G (LRG_296t1); c.426C>G, p.Asn142Lys (NM_001363813.1); short protein forms N142K.
Identifiers: ClinVar variation 568257 (VCV000568257.15), dbSNP rs1322519354, ClinGen allele CA400681414.

ClinVar aggregate classification (germline): Uncertain significance. Review status: criteria provided, multiple submitters, no conflicts (2 of 4 stars). 4 submissions from 4 submitters: Uncertain significance (4). Last evaluated 2025-11-22.

Conditions:
Oligodontia-cancer predisposition syndrome. Also called: TOOTH AGENESIS-COLORECTAL CANCER SYNDROME. Identifiers: Orphanet 300576, MedGen C1837750, MONDO:0012075, OMIM 608615. Disease mechanism: loss of function.
Colorectal cancer. Also called: Colorectal cancer, somatic; Malignant Colorectal Neoplasm. Identifiers: MedGen C0346629, MONDO:0005575, OMIM 114500.
Hereditary cancer-predisposing syndrome. Also called: Neoplastic Syndromes, Hereditary; Tumor predisposition; Hereditary neoplastic syndrome; Hereditary Cancer Syndrome. Identifiers: Orphanet 140162, MedGen C0027672, MeSH D009386, MONDO:0015356.

gnomAD v4.1: 1 of 1,613,980 alleles (0.000062%); no homozygotes.

Submissions (4):

Labcorp Genetics (formerly Invitae), Labcorp
Classification: Uncertain significance for Oligodontia-cancer predisposition syndrome. Last evaluated: 2025-11-22. Review status: criteria provided, single submitter. Criteria: Invitae Variant Classification Sherloc (09022015). Collection method: clinical testing. Allele origin: germline.
Comment: This sequence change replaces asparagine, which is neutral and polar, with lysine, which is basic and polar, at codon 142 of the AXIN2 protein (p.Asn142Lys). This variant is not present in population databases (gnomAD no frequency). This variant has not been reported in the literature in individuals affected with AXIN2-related conditions. ClinVar contains an entry for this variant (Variation ID: 568257). Invitae Evidence Modeling of protein sequence and biophysical properties (such as structural, functional, and spatial information, amino acid conservation, physicochemical variation, residue mobility, and thermodynamic stability) indicates that this missense variant is not expected to disrupt AXIN2 protein function with a negative predictive value of 80%. In summary, the available evidence is currently insufficient to determine the role of this variant in disease. Therefore, it has been classified as a Variant of Uncertain Significance.

Ambry Genetics
Classification: Uncertain significance for Hereditary cancer-predisposing syndrome. Last evaluated: 2025-07-14. Review status: criteria provided, single submitter. Criteria: Ambry Variant Classification Scheme 2023. Collection method: clinical testing. Allele origin: germline.
Comment: The p.N142K variant (also known as c.426C>G), located in coding exon 1 of the AXIN2 gene, results from a C to G substitution at nucleotide position 426. The asparagine at codon 142 is replaced by lysine, an amino acid with similar properties. This amino acid position is highly conserved in available vertebrate species. In addition, this alteration is predicted to be tolerated by in silico analysis. Since supporting evidence is limited at this time, the clinical significance of this alteration remains unclear.

Baylor Genetics
Classification: Uncertain significance for Colorectal cancer. Last evaluated: 2023-09-13. Review status: criteria provided, single submitter. Criteria: ACMG Guidelines, 2015. Collection method: clinical testing. Allele origin: unknown.

GeneDx
Classification: Uncertain significance. Last evaluated: 2020-10-23. Review status: criteria provided, single submitter. Criteria: GeneDx Variant Classification Process June 2021. Collection method: clinical testing. Allele origin: germline. Affected: yes.
Comment: Not observed in large population cohorts (Lek 2016); In silico analysis supports that this missense variant has a deleterious effect on protein structure/function; Has not been previously published as pathogenic or benign to our knowledge